The following is an entry in ClinVar:

ClinVar aggregate classification (germline): Pathogenic (1 of 4 stars; one submission).

Conditions:
Neurofibromatosis, type 1 (NF1). Also called: VON RECKLINGHAUSEN DISEASE; Peripheral type neurofibromatosis; NEUROFIBROMATOSIS, TYPE I, SOMATIC; Neurofibromatosis, type I. Identifiers: Orphanet 636, MedGen C0027831, MONDO:0018975, OMIM 162200. Disease mechanism: loss of function.

Submission:

Labcorp Genetics (formerly Invitae), Labcorp
Classification: Pathogenic for Neurofibromatosis, type 1. Last evaluated: 2025-06-23. Review status: criteria provided, single submitter. Criteria: Invitae Variant Classification Sherloc (09022015). Collection method: clinical testing. Allele origin: germline.
Comment: This sequence change creates a premature translational stop signal (p.Leu995Glnfs*24) in the NF1 gene. It is expected to result in an absent or disrupted protein product. Loss-of-function variants in NF1 are known to be pathogenic (PMID: 10712197, 23913538). This variant is not present in population databases (gnomAD no frequency). This premature translational stop signal has been observed in individual(s) with NF1-related conditions (PMID: 24789688). For these reasons, this variant has been classified as Pathogenic.

Literature cited by the submitters: PubMed 10712197; PubMed 23913538; PubMed 24789688.

NM_001042492.3(NF1):c.2984_2988del (p.Leu995fs)

Gene: NF1 (neurofibromin 1; plus strand). Cytogenetic location: 17q11.2.
Variant type: Deletion.
Coding change: c.2984_2988del on transcript NM_001042492.3 (MANE Select); coding-DNA positions 2984 to 2988, 5 bases deleted (TGGTC; older notation c.2984_2988delTGGTC).
Protein change: p.Leu995fs; shifts the reading frame from leucine 995.
Molecular consequence: frameshift variant.
Genome position (GRCh38, 1-based): chr17:31,229,968-31,229,972, TGGTC deleted; deleting any 5 consecutive bases within chr17:31,229,966-31,229,972 gives the same sequence; the c. name uses the placement nearest the transcript's 3' end. VCF-style (leftmost placement, unchanged base first): chr17-31229965-ATCTGG-A. GRCh37 (hg19) VCF-style: chr17-29556983-ATCTGG-A.
Other names: c.2984_2988del, p.Leu995fs (NM_000267.4); short protein forms L995fs.
Identifiers: ClinVar variation 4710349 (VCV004710349.1).